The following is an entry in ClinVar:

NM_001206927.2(DNAH8):c.750A>G (p.Lys250=)

Gene: DNAH8 (dynein axonemal heavy chain 8; plus strand). Cytogenetic location: 6p21.2.
Variant type: single nucleotide variant.
Coding change: c.750A>G on transcript NM_001206927.2 (MANE Select); coding-DNA position 750, A replaced by G.
Protein change: p.Lys250=; no amino-acid change (lysine 250 retained).
Molecular consequence: synonymous variant.
Genome position (GRCh38, 1-based): chr6:38,734,613, A>G. VCF-style: chr6-38734613-A-G. GRCh37 (hg19) VCF-style: chr6-38702389-A-G.
Other names: c.99A>G, p.Lys33= (NM_001371.4).
Identifiers: ClinVar variation 4977501 (VCV004977501.1).

ClinVar aggregate classification (germline): Likely benign (1 of 4 stars; one submission).

Conditions:
DNAH8-related disorder. Also called: DNAH8-related condition.

gnomAD v4.1: 8 of 1,612,284 alleles (0.0005%); highest among the groups gnomAD compares: Non-Finnish European, 0.00068%; no homozygotes.

Submission:

PreventionGenetics, part of Exact Sciences
Classification: Likely benign for DNAH8-related condition. Last evaluated: 2026-08-26. Review status: criteria provided, single submitter. Criteria: ACMG Guidelines, 2015. Collection method: clinical testing. Allele origin: germline.
Comment: This variant is classified as likely benign based on ACMG/AMP sequence variant interpretation guidelines (Richards et al. 2015 PMID: 25741868, with internal and published modifications).